The following is an entry in ClinVar:

NM_001042492.3(NF1):c.5253dup (p.Lys1752fs)

Gene: NF1 (neurofibromin 1; plus strand). Cytogenetic location: 17q11.2.
Variant type: Duplication.
Coding change: c.5253dup on transcript NM_001042492.3 (MANE Select); coding-DNA position 5253, one base duplicated (C; older notation c.5253dupC).
Protein change: p.Lys1752fs; shifts the reading frame from lysine 1752.
Molecular consequence: frameshift variant.
Genome position (GRCh38, 1-based): chr17:31,326,237, C duplicated; the last of 2 consecutive C bases (chr17:31,326,236-31,326,237); duplicating either gives the same sequence. VCF-style (leftmost placement, unchanged base first): chr17-31326235-A-AC. GRCh37 (hg19) VCF-style: chr17-29653253-A-AC.
Other names: p.Lys1731Glnfs*5; c.5190dup, p.Lys1731Glnfs (NM_000267.4); short protein forms K1731fs, K1752fs.
Identifiers: ClinVar variation 2682671 (VCV002682671.1), dbSNP rs2508698683, ClinGen allele CA2697559596.

ClinVar aggregate classification (germline): Likely pathogenic (1 of 4 stars; one submission).

Submission:

Mayo Clinic Laboratories, Mayo Clinic
Classification: Likely pathogenic. Last evaluated: 2022-06-07. Review status: criteria provided, single submitter. Criteria: ACMG Guidelines, 2015. Collection method: clinical testing. Allele origin: germline. Observed: 1 variant allele.
Comment: PM2, PVS1